The following is an entry in ClinVar:

ClinVar aggregate classification (germline): Likely pathogenic (1 of 4 stars; one submission).

Conditions:
Hypertrophic cardiomyopathy. Also called: HYPERTROPHIC MYOCARDIOPATHY. Identifiers: Orphanet 217569, MedGen C0007194, MeSH D002312, MONDO:0005045, HP:0001639.

gnomAD v4.1: 3 of 1,614,004 alleles (0.00019%); highest among the groups gnomAD compares: Non-Finnish European, 0.00025%; no homozygotes.

Submission:

Labcorp Genetics (formerly Invitae), Labcorp
Classification: Likely pathogenic for Hypertrophic cardiomyopathy. Last evaluated: 2026-01-14. Review status: criteria provided, single submitter. Criteria: Invitae Variant Classification Sherloc (09022015). Collection method: clinical testing. Allele origin: germline.
Comment: This sequence change replaces alanine, which is neutral and non-polar, with serine, which is neutral and polar, at codon 355 of the MYH7 protein (p.Ala355Ser). This variant is not present in population databases (gnomAD no frequency). This missense change has been observed in individual(s) with hypertrophic cardiomyopathy (PMID: 23782526, 27532257, 30972196, 32731933, 37652022, 39472908). ClinVar contains an entry for this variant (Variation ID: 641658). Invitae Evidence Modeling of protein sequence and biophysical properties (such as structural, functional, and spatial information, amino acid conservation, physicochemical variation, residue mobility, and thermodynamic stability) indicates that this missense variant is expected to disrupt MYH7 protein function with a positive predictive value of 95%. This variant disrupts the p.Ala355 amino acid residue in MYH7. Other variant(s) that disrupt this residue have been determined to be pathogenic (PMID: 12707239, 18761664, 20031618, 21835320, 23283745, 24704860, 27247418). This suggests that this residue is clinically significant, and that variants that disrupt this residue are likely to be disease-causing. In summary, the currently available evidence indicates that the variant is pathogenic, but additional data are needed to prove that conclusively. Therefore, this variant has been classified as Likely Pathogenic.

Literature cited by the submitters: PubMed 23782526; PubMed 27532257; PubMed 30972196; PubMed 32731933; PubMed 37652022; PubMed 39472908; PubMed 12707239; PubMed 18761664; PubMed 20031618; PubMed 21835320; PubMed 23283745; PubMed 24704860; PubMed 27247418.

NM_000257.4(MYH7):c.1063G>T (p.Ala355Ser)

Gene: MYH7 (myosin heavy chain 7; minus strand). Cytogenetic location: 14q11.2.
Variant type: single nucleotide variant.
Coding change: c.1063G>T on transcript NM_000257.4 (MANE Select); coding-DNA position 1063, G replaced by T.
Protein change: p.Ala355Ser; replaces alanine 355 with serine.
Molecular consequence: missense variant.
Genome position (GRCh38, 1-based): chr14:23,429,850, C>A on the plus strand (G>T on the coding strand, the complement: MYH7 is on the minus strand). VCF-style: chr14-23429850-C-A. GRCh37 (hg19) VCF-style: chr14-23899059-C-A.
Other names: short protein forms A355S.
Identifiers: ClinVar variation 641658 (VCV000641658.8), dbSNP rs397516088, ClinGen allele CA389051441.